The following is an entry in ClinVar:

ClinVar aggregate classification (germline): Pathogenic (1 of 4 stars; one submission).

Conditions:
Isolated microphthalmia 5. Also called: Posterior Microphthalmia with Retinitis Pigmentosa, Foveoschisis, and Optic Disc Drusen. Identifiers: Orphanet 251279, MedGen C1970236, MONDO:0012605, OMIM 611040.

Submission:

Labcorp Genetics (formerly Invitae), Labcorp
Classification: Pathogenic for Isolated microphthalmia 5. Last evaluated: 2022-08-19. Review status: criteria provided, single submitter. Criteria: Invitae Variant Classification Sherloc (09022015). Collection method: clinical testing. Allele origin: germline.
Comment: Algorithms developed to predict the effect of sequence changes on RNA splicing suggest that this variant may disrupt the consensus splice site. This sequence change creates a premature translational stop signal (p.Thr410Trpfs*66) in the MFRP gene. It is expected to result in an absent or disrupted protein product. Loss-of-function variants in MFRP are known to be pathogenic (PMID: 12140190, 15976030, 20361016). This variant is not present in population databases (gnomAD no frequency). This variant has not been reported in the literature in individuals affected with MFRP-related conditions. For these reasons, this variant has been classified as Pathogenic.

Literature cited by the submitters: PubMed 12140190; PubMed 15976030; PubMed 20361016.

NM_031433.4(MFRP):c.1228_1234del (p.Thr410fs)

Genes: C1QTNF5 (C1q and TNF related 5; minus strand), MFRP (membrane frizzled-related protein; minus strand). Cytogenetic location: 11q23.3.
Variant type: Deletion.
Coding change: c.1228_1234del on transcript NM_031433.4 (MANE Select); coding-DNA positions 1228 to 1234, 7 bases deleted (ACCTACC; older notation c.1228_1234delACCTACC).
Protein change: p.Thr410fs; shifts the reading frame from threonine 410.
Molecular consequence: frameshift variant. On other transcripts: 5 prime UTR variant (1).
Genome position (GRCh38, 1-based): chr11:119,342,894-119,342,900, GGTAGGT deleted on the plus strand (ACCTACC on the coding strand, the reverse complement: MFRP is on the minus strand); deleting any 7 consecutive bases within chr11:119,342,894-119,342,902 gives the same sequence; the c. name uses the placement nearest the transcript's 3' end. VCF-style (leftmost placement, unchanged base first): chr11-119342893-AGGTAGGT-A. GRCh37 (hg19) VCF-style: chr11-119213603-AGGTAGGT-A.
Other names: c.-1409_-1403del (NM_015645.5); short protein forms T410fs.
Identifiers: ClinVar variation 2024780 (VCV002024780.4), dbSNP rs2497083257, ClinGen allele CA2580083671.